The following is an entry in ClinVar:

NM_054012.4(ASS1):c.944T>A (p.Leu315Ter)

Gene: ASS1 (argininosuccinate synthase 1; plus strand). Cytogenetic location: 9q34.11.
Variant type: single nucleotide variant.
Coding change: c.944T>A on transcript NM_054012.4 (MANE Select); coding-DNA position 944, T replaced by A.
Protein change: p.Leu315Ter; replaces leucine 315 with a stop codon.
Molecular consequence: nonsense.
Genome position (GRCh38, 1-based): chr9:130,489,438, T>A. VCF-style: chr9-130489438-T-A. GRCh37 (hg19) VCF-style: chr9-133364825-T-A.
Other names: c.944T>A, p.Leu315Ter (NM_000050.4); short protein forms L315*.
Identifiers: ClinVar variation 1355373 (VCV001355373.6), dbSNP rs2118864334, ClinGen allele CA375230750.

ClinVar aggregate classification (germline): Pathogenic (1 of 4 stars; one submission).

Conditions:
Citrullinemia. Identifiers: Orphanet 187, MedGen C0175683, MONDO:0015991.

Submission:

Labcorp Genetics (formerly Invitae), Labcorp
Classification: Pathogenic for Citrullinemia. Last evaluated: 2021-11-06. Review status: criteria provided, single submitter. Criteria: Invitae Variant Classification Sherloc (09022015). Collection method: clinical testing. Allele origin: germline.
Comment: This sequence change creates a premature translational stop signal (p.Leu315*) in the ASS1 gene. It is expected to result in an absent or disrupted protein product. Loss-of-function variants in ASS1 are known to be pathogenic (PMID: 18473344, 19006241). This variant is not present in population databases (gnomAD no frequency). This variant has not been reported in the literature in individuals affected with ASS1-related conditions. For these reasons, this variant has been classified as Pathogenic.

Literature cited by the submitters: PubMed 18473344; PubMed 19006241.